The following is an entry in ClinVar:

NM_006035.4(CDC42BPB):c.3988C>T (p.Leu1330Phe)

Gene: CDC42BPB (CDC42 binding protein kinase beta; minus strand). Cytogenetic location: 14q32.32.
Variant type: single nucleotide variant.
Coding change: c.3988C>T on transcript NM_006035.4 (MANE Select); coding-DNA position 3988, C replaced by T.
Protein change: p.Leu1330Phe; replaces leucine 1330 with phenylalanine.
Molecular consequence: missense variant.
Genome position (GRCh38, 1-based): chr14:102,944,311, G>A on the plus strand (C>T on the coding strand, the complement: CDC42BPB is on the minus strand). VCF-style: chr14-102944311-G-A. GRCh37 (hg19) VCF-style: chr14-103410648-G-A.
Other names: c.3910C>T, p.Leu1304Phe (NM_001411054.1); short protein forms L1304F, L1330F.
Identifiers: ClinVar variation 4281347 (VCV004281347.7).

ClinVar aggregate classification (germline): Uncertain significance (1 of 4 stars; one submission).

Submission:

CeGaT Center for Human Genetics Tuebingen
Classification: Uncertain significance. Last evaluated: 2025-09-01. Review status: criteria provided, single submitter. Criteria: CeGaT Center For Human Genetics Tuebingen Variant Classification Criteria Version 2. Collection method: clinical testing. Allele origin: germline. Affected: yes. Observed: 1 variant allele.
Comment: CDC42BPB: PM2, BP4